The following is an entry in ClinVar:

ClinVar aggregate classification (germline): Uncertain significance. Review status: criteria provided, multiple submitters, no conflicts (2 of 4 stars). 2 submissions from 2 submitters: Uncertain significance (2). Last evaluated 2026-02-09.

Conditions:
Joubert syndrome 25 (JBTS25). Identifiers: Orphanet 475, MedGen C4084842, MONDO:0014770, OMIM 616781.

Allele frequency attached by ClinVar (database versions not stated): gnomAD 0.00001; gnomAD exomes 0.00001; TOPMed 0.00002.

Submissions (2):

GeneDx
Classification: Uncertain significance. Last evaluated: 2026-02-09. Review status: criteria provided, single submitter. Criteria: GeneDx Variant Classification Process June 2021. Collection method: clinical testing. Allele origin: germline.
Comment: Not observed at significant frequency in large population cohorts (gnomAD); In silico analysis suggests that this missense variant does not alter protein structure/function; Has not been previously published as pathogenic or benign to our knowledge

Labcorp Genetics (formerly Invitae), Labcorp
Classification: Uncertain significance for Joubert syndrome 25. Last evaluated: 2024-01-24. Review status: criteria provided, single submitter. Criteria: Invitae Variant Classification Sherloc (09022015). Collection method: clinical testing. Allele origin: germline.
Comment: This sequence change replaces arginine, which is basic and polar, with cysteine, which is neutral and slightly polar, at codon 311 of the CEP104 protein (p.Arg311Cys). This variant is present in population databases (no rsID available, gnomAD 0.005%). This variant has not been reported in the literature in individuals affected with CEP104-related conditions. ClinVar contains an entry for this variant (Variation ID: 2060092). Algorithms developed to predict the effect of missense changes on protein structure and function output the following: SIFT: "Not Available"; PolyPhen-2: "Benign"; Align-GVGD: "Not Available". The cysteine amino acid residue is found in multiple mammalian species, which suggests that this missense change does not adversely affect protein function. In summary, the available evidence is currently insufficient to determine the role of this variant in disease. Therefore, it has been classified as a Variant of Uncertain Significance.

NM_014704.4(CEP104):c.931C>T (p.Arg311Cys)

Gene: CEP104 (centrosomal protein 104; minus strand). Cytogenetic location: 1p36.32.
Variant type: single nucleotide variant.
Coding change: c.931C>T on transcript NM_014704.4 (MANE Select); coding-DNA position 931, C replaced by T.
Protein change: p.Arg311Cys; replaces arginine 311 with cysteine.
Molecular consequence: missense variant.
Genome position (GRCh38, 1-based): chr1:3,837,480, G>A on the plus strand (C>T on the coding strand, the complement: CEP104 is on the minus strand). VCF-style: chr1-3837480-G-A. GRCh37 (hg19) VCF-style: chr1-3754044-G-A.
Other names: c.931C>T (NM_014704.3); short protein forms R311C.
Identifiers: ClinVar variation 2060092 (VCV002060092.4), dbSNP rs1237002210, ClinGen allele CA338042447.